The following is an entry in ClinVar:

ClinVar aggregate classification (germline): Likely benign. Review status: criteria provided, multiple submitters, no conflicts (2 of 4 stars). 3 submissions from 3 submitters: Likely benign (2). 1 of the submissions does not count toward it. Last evaluated 2026-06-25.

Conditions:
ACOX1-related disorder. Also called: ACOX1-related disorders; ACOX1-related condition.
Acyl-CoA oxidase deficiency. Also called: Peroxisomal acyl-CoA oxidase deficiency; STRAIGHT-CHAIN ACYL-CoA OXIDASE DEFICIENCY; Pseudoneonatal adrenoleukodystrophy. Identifiers: Orphanet 2971, MedGen C1849678, MONDO:0009919, OMIM 264470. Disease mechanism: loss of function.

Allele frequency attached by ClinVar (database versions not stated): gnomAD exomes 0.00009; ExAC 0.00012; 1000 Genomes Project 30x 0.00016; 1000 Genomes Project 0.00020; gnomAD 0.00030 and 0.00033; ESP Exome Variant Server 0.00031; TOPMed 0.00042.
gnomAD v4.1: 90 of 1,614,044 alleles (0.0056%); highest among the groups gnomAD compares: African/African-American, 0.11%; no homozygotes.

Submissions (3):

PreventionGenetics, part of Exact Sciences
Classification: Likely benign for ACOX1-related condition. Last evaluated: 2026-06-25. Review status: criteria provided, single submitter. Criteria: ACMG Guidelines, 2015. Collection method: clinical testing. Allele origin: germline.
Comment: This variant is classified as likely benign based on ACMG/AMP sequence variant interpretation guidelines (Richards et al. 2015 PMID: 25741868, with internal and published modifications).

Labcorp Genetics (formerly Invitae), Labcorp
Classification: Likely benign for Acyl-CoA oxidase deficiency. Last evaluated: 2025-12-19. Review status: criteria provided, single submitter. Criteria: Invitae Variant Classification Sherloc (09022015). Collection method: clinical testing. Allele origin: germline.

Natera, Inc.
Classification: Likely benign for Peroxisomal acyl-CoA oxidase deficiency. Last evaluated: 2019-10-23. Review status: no assertion criteria provided. Collection method: clinical testing. Allele origin: germline. Not counted in ClinVar's aggregate classification.

NM_004035.7(ACOX1):c.1287C>A (p.Leu429=)

Gene: ACOX1 (acyl-CoA oxidase 1; minus strand). Cytogenetic location: 17q25.1.
Variant type: single nucleotide variant.
Coding change: c.1287C>A on transcript NM_004035.7 (MANE Select); coding-DNA position 1287, C replaced by A.
Protein change: p.Leu429=; no amino-acid change (leucine 429 retained).
Molecular consequence: synonymous variant.
Genome position (GRCh38, 1-based): chr17:75,950,785, G>T on the plus strand (C>A on the coding strand, the complement: ACOX1 is on the minus strand). VCF-style: chr17-75950785-G-T. GRCh37 (hg19) VCF-style: chr17-73946866-G-T.
Other names: c.1287C>A (NM_004035.6); c.1173C>A, p.Leu391= (NM_001185039.2); c.1287C>A, p.Leu429= (NM_007292.6).
Identifiers: ClinVar variation 1107281 (VCV001107281.14), dbSNP rs141015974, ClinGen allele CA8776813.